The following is an entry in ClinVar:

ClinVar aggregate classification (germline): Pathogenic. Review status: criteria provided, multiple submitters, no conflicts (2 of 4 stars). 2 submissions from 2 submitters: Pathogenic (2). Last evaluated 2025-04-09.

Conditions:
Intellectual developmental disorder with speech delay and axonal peripheral neuropathy. Identifiers: MedGen C5436813, MONDO:0030849, OMIM 619099.

Allele frequency attached by ClinVar (database versions not stated): ExAC 0.00002; ESP Exome Variant Server 0.00015; gnomAD 0.00004.
gnomAD v4.1: 50 of 1,569,372 alleles (0.0032%); highest among the groups gnomAD compares: Non-Finnish European, 0.004%; no homozygotes.

Submissions (2):

Women's Health and Genetics/Laboratory Corporation of America, LabCorp
Classification: Pathogenic for Intellectual developmental disorder with speech delay and axonal peripheral neuropathy. Last evaluated: 2025-04-09. Review status: criteria provided, single submitter. Criteria: LabCorp Variant Classification Summary - May 2015. Collection method: clinical testing. Allele origin: germline.
Comment: Variant summary: NEMF c.1410T>G (p.Tyr470X) results in a premature termination codon, predicted to cause a truncation of the encoded protein or absence of the protein due to nonsense mediated decay, which are commonly known mechanisms for disease. The variant allele was found at a frequency of 9.3e-06 in 215616 control chromosomes (gnomAD). To our knowledge, no occurrence of c.1410T>G in individuals affected with Intellectual Developmental Disorder With Speech Delay And Axonal Peripheral Neuropathy and no experimental evidence demonstrating its impact on protein function have been reported. ClinVar contains an entry for this variant (Variation ID: 2136466). Based on the evidence outlined above, the variant was classified as pathogenic.

Labcorp Genetics (formerly Invitae), Labcorp
Classification: Pathogenic. Last evaluated: 2022-07-05. Review status: criteria provided, single submitter. Criteria: Invitae Variant Classification Sherloc (09022015). Collection method: clinical testing. Allele origin: germline.
Comment: This sequence change creates a premature translational stop signal (p.Tyr470*) in the NEMF gene. It is expected to result in an absent or disrupted protein product. Loss-of-function variants in NEMF are known to be pathogenic (PMID: 27431290, 32934225). This variant is present in population databases (rs371405135, gnomAD 0.004%). This variant has not been reported in the literature in individuals affected with NEMF-related conditions. For these reasons, this variant has been classified as Pathogenic.

Literature cited by the submitters: PubMed 27431290 (cited by Labcorp Genetics (formerly Invitae), Labcorp); PubMed 32934225 (cited by Labcorp Genetics (formerly Invitae), Labcorp).

NM_004713.6(NEMF):c.1410T>G (p.Tyr470Ter)

Gene: NEMF (nuclear export mediator factor; minus strand). Cytogenetic location: 14q21.3.
Variant type: single nucleotide variant.
Coding change: c.1410T>G on transcript NM_004713.6 (MANE Select); coding-DNA position 1410, T replaced by G.
Protein change: p.Tyr470Ter; replaces tyrosine 470 with a stop codon.
Molecular consequence: nonsense.
Genome position (GRCh38, 1-based): chr14:49,828,630, A>C on the plus strand (T>G on the coding strand, the complement: NEMF is on the minus strand). VCF-style: chr14-49828630-A-C. GRCh37 (hg19) VCF-style: chr14-50295348-A-C.
Other names: c.1410T>G, p.Tyr470Ter (NM_001301732.3); short protein forms Y470*.
Identifiers: ClinVar variation 2136466 (VCV002136466.3), dbSNP rs371405135, ClinGen allele CA7175300.